The following is an entry in ClinVar:

ClinVar aggregate classification (germline): Uncertain significance (1 of 4 stars; one submission).

Allele frequency attached by ClinVar (database versions not stated): gnomAD 0.00001; gnomAD exomes 0.00001; ExAC 0.00002; TOPMed 0.00004.
gnomAD v4.1: 10 of 1,552,882 alleles (0.00064%); highest among the groups gnomAD compares: Admixed American, 0.011%; no homozygotes.

Submission:

Labcorp Genetics (formerly Invitae), Labcorp
Classification: Uncertain significance. Last evaluated: 2024-02-23. Review status: criteria provided, single submitter. Criteria: Invitae Variant Classification Sherloc (09022015). Collection method: clinical testing. Allele origin: germline.
Comment: This sequence change falls in intron 1 of the KDM1A gene. It does not directly change the encoded amino acid sequence of the KDM1A protein. It affects a nucleotide within the consensus splice site. This variant is present in population databases (rs749781563, gnomAD 0.01%). This variant has not been reported in the literature in individuals affected with KDM1A-related conditions. ClinVar contains an entry for this variant (Variation ID: 2058558). Variants that disrupt the consensus splice site are a relatively common cause of aberrant splicing (PMID: 17576681, 9536098). Algorithms developed to predict the effect of sequence changes on RNA splicing suggest that this variant is not likely to affect RNA splicing. In summary, the available evidence is currently insufficient to determine the role of this variant in disease. Therefore, it has been classified as a Variant of Uncertain Significance.

Literature cited by the submitters: PubMed 17576681; PubMed 9536098.

NM_001009999.3(KDM1A):c.352-3T>C

Gene: KDM1A (lysine demethylase 1A; plus strand). Cytogenetic location: 1p36.12.
Variant type: single nucleotide variant.
Coding change: c.352-3T>C on transcript NM_001009999.3 (MANE Select); 3 bases into the intron before coding-DNA position 352, T replaced by C.
Molecular consequence: intron variant.
Genome position (GRCh38, 1-based): chr1:23,030,466, T>C. VCF-style: chr1-23030466-T-C. GRCh37 (hg19) VCF-style: chr1-23356959-T-C.
Other names: c.352-3T>C (NM_001363654.2, NM_015013.4).
Identifiers: ClinVar variation 2058558 (VCV002058558.3), dbSNP rs749781563, ClinGen allele CA679451.